The following is an entry in ClinVar:

ClinVar aggregate classification (germline): Pathogenic. Review status: criteria provided, multiple submitters, no conflicts (2 of 4 stars). 2 submissions from 2 submitters: Pathogenic (2). Last evaluated 2021-03-15.

Conditions:
Central core myopathy (CMYO1A). Also called: CONGENITAL MYOPATHY 1A, AUTOSOMAL DOMINANT, WITH SUSCEPTIBILITY TO MALIGNANT HYPERTHERMIA; Central core disease; Myopathy, central fibrillar. Identifiers: Orphanet 597, MedGen C5830701, MONDO:0007294, OMIM 117000.
RYR1-related disorder. Also called: RYR1-related condition; RYR1-related disorders. Identifiers: MedGen CN239331.

Submissions (2):

Labcorp Genetics (formerly Invitae), Labcorp
Classification: Pathogenic for RYR1-related disorder. Last evaluated: 2021-03-15. Review status: criteria provided, single submitter. Criteria: Invitae Variant Classification Sherloc (09022015). Collection method: clinical testing. Allele origin: germline.
Comment: For these reasons, this variant has been classified as Pathogenic. This variant disrupts the p.Phe4857 amino acid residue in RYR1. Other variant(s) that disrupt this residue have been determined to be pathogenic (PMID: 28527222). This suggests that this residue is clinically significant, and that variants that disrupt this residue are likely to be disease-causing. Advanced modeling of protein sequence and biophysical properties (such as structural, functional, and spatial information, amino acid conservation, physicochemical variation, residue mobility, and thermodynamic stability) performed at Invitae indicates that this missense variant is expected to disrupt RYR1 protein function. This variant has been observed in the heterozygous state in individual(s) with malignant hyperthermia susceptibility and muscle biopsy findings consistent with central core disease (PMID: 30788618). This variant is not present in population databases (ExAC no frequency). This sequence change replaces phenylalanine with leucine at codon 4857 of the RYR1 protein (p.Phe4857Leu). The phenylalanine residue is highly conserved and there is a small physicochemical difference between phenylalanine and leucine.

Clinical Biomedical Laboratory, Shriners Hospital For Children - Canada
Classification: Pathogenic for Central core myopathy. Review status: criteria provided, single submitter. Criteria: ACMG Guidelines, 2015. Collection method: clinical testing. Allele origin: germline. Affected: yes.
Comment: This variant is predicted to substitute a phenylalanine residue by a leucine residue in RYR1. This variant is absent in the Genome Aggregation Database (gnomAD v2.1.1), indicating it is very rare. Computational tools (REVEL: 0.96) suggest that the amino acid change is deleterious to protein function. The gene is associated with congenital myopathy 1A, autosomal dominant, with susceptibility to malignant hyperthermia, which has significant overlap with the reported phenotype of the proband. An amino acid change at the same position has been shown to cause loss of function of RYR1 protein (PMID 28527222). Based on the ACMG variant interpretation guidelines (criteria: PS3, PM2, PM5, PP2, PP3), the available evidence supports classification of this variant as pathogenic.

Literature cited by the submitters: PubMed 28527222 (cited by Labcorp Genetics (formerly Invitae), Labcorp); PubMed 30788618 (cited by Labcorp Genetics (formerly Invitae), Labcorp).

NM_000540.3(RYR1):c.14569T>C (p.Phe4857Leu)

Gene: RYR1 (ryanodine receptor 1; plus strand). Cytogenetic location: 19q13.2.
Variant type: single nucleotide variant.
Coding change: c.14569T>C on transcript NM_000540.3 (MANE Select); coding-DNA position 14569, T replaced by C.
Protein change: p.Phe4857Leu; replaces phenylalanine 4857 with leucine.
Molecular consequence: missense variant.
Genome position (GRCh38, 1-based): chr19:38,580,427, T>C. VCF-style: chr19-38580427-T-C. GRCh37 (hg19) VCF-style: chr19-39071067-T-C.
Other names: c.14554T>C, p.Phe4852Leu (NM_001042723.2); short protein forms F4852L, F4857L.
Identifiers: ClinVar variation 1451182 (VCV001451182.9), dbSNP rs2145896622, ClinGen allele CA405687719.